The following is an entry in ClinVar:

NM_020529.3(NFKBIA):c.882G>T (p.Glu294Asp)

Gene: NFKBIA (NFKB inhibitor alpha; minus strand). Cytogenetic location: 14q13.2.
Variant type: single nucleotide variant.
Coding change: c.882G>T on transcript NM_020529.3 (MANE Select); coding-DNA position 882, G replaced by T.
Protein change: p.Glu294Asp; replaces glutamic acid 294 with aspartic acid.
Molecular consequence: missense variant.
Genome position (GRCh38, 1-based): chr14:35,402,418, C>A on the plus strand (G>T on the coding strand, the complement: NFKBIA is on the minus strand). VCF-style: chr14-35402418-C-A. GRCh37 (hg19) VCF-style: chr14-35871624-C-A.
Other names: short protein forms E294D.
Identifiers: ClinVar variation 2279436 (VCV002279436.5), dbSNP rs2052738424, ClinGen allele CA389451888.

ClinVar aggregate classification (germline): Uncertain significance. Review status: criteria provided, multiple submitters, no conflicts (2 of 4 stars). 2 submissions from 2 submitters: Uncertain significance (2). Last evaluated 2023-08-22.

Conditions:
Inborn genetic diseases. Identifiers: MedGen C0950123, MeSH D030342.
Ectodermal dysplasia and immunodeficiency 2. Identifiers: Orphanet 238468, Orphanet 98813, MedGen C2677481, MONDO:0012806, OMIM 612132.

Allele frequency attached by ClinVar (database versions not stated): gnomAD 0.00001; TOPMed 0.00001.
gnomAD v4.1: 3 of 1,614,080 alleles (0.00019%); highest among the groups gnomAD compares: Admixed American, 0.0033%; no homozygotes.

Submissions (2):

Labcorp Genetics (formerly Invitae), Labcorp
Classification: Uncertain significance for Ectodermal dysplasia and immunodeficiency 2. Last evaluated: 2023-08-22. Review status: criteria provided, single submitter. Criteria: Invitae Variant Classification Sherloc (09022015). Collection method: clinical testing. Allele origin: germline.
Comment: This sequence change replaces glutamic acid, which is acidic and polar, with aspartic acid, which is acidic and polar, at codon 294 of the NFKBIA protein (p.Glu294Asp). In summary, the available evidence is currently insufficient to determine the role of this variant in disease. Therefore, it has been classified as a Variant of Uncertain Significance. An algorithm developed to predict the effect of missense changes on protein structure and function (PolyPhen-2) suggests that this variant is likely to be tolerated. ClinVar contains an entry for this variant (Variation ID: 2279436). This variant has not been reported in the literature in individuals affected with NFKBIA-related conditions. This variant is not present in population databases (gnomAD no frequency).

Ambry Genetics
Classification: Uncertain significance for Inborn genetic diseases. Last evaluated: 2022-03-23. Review status: criteria provided, single submitter. Criteria: Ambry Variant Classification Scheme 2023. Collection method: clinical testing. Allele origin: germline.